The following is an entry in ClinVar:

ClinVar aggregate classification (germline): Likely pathogenic (1 of 4 stars; one submission).

Conditions:
Alagille syndrome due to a JAG1 point mutation. Also called: Alagille Syndrome 1; HEPATIC DUCTULAR HYPOPLASIA, SYNDROMATIC; JAG1-Related Alagille Syndrome. Identifiers: Orphanet 261619, Orphanet 52, MedGen C1956125, MONDO:0016862, OMIM 118450.

Submission:

MVZ Medizinische Genetik Mainz
Classification: Likely pathogenic for Alagille syndrome due to a JAG1 point mutation. Last evaluated: 2022-06-09. Review status: criteria provided, single submitter. Criteria: UK Practice Guidelines For Variant Classification V4 01 2020. Collection method: clinical testing. Allele origin: germline. Inheritance: Autosomal dominant inheritance. Affected: yes. Observed: 1 variant allele.
Comment: ACMG Criteria: PVS1, PM2_SUP (ACMG Version 3)

NM_000214.3(JAG1):c.11del (p.Pro4fs)

Gene: JAG1 (jagged canonical Notch ligand 1; minus strand). Cytogenetic location: 20p12.2.
Variant type: Deletion.
Coding change: c.11del on transcript NM_000214.3 (MANE Select); coding-DNA position 11, one base deleted (C; older notation c.11delC).
Protein change: p.Pro4fs; shifts the reading frame from proline 4.
Molecular consequence: frameshift variant.
Genome position (GRCh38, 1-based): chr20:10,673,520, G deleted on the plus strand (C on the coding strand, the reverse complement: JAG1 is on the minus strand); the first of 4 consecutive G bases (chr20:10,673,520-10,673,523); deleting any one gives the same sequence. VCF-style (leftmost placement, unchanged base first): chr20-10673519-TG-T. GRCh37 (hg19) VCF-style: chr20-10654167-TG-T.
Other names: short protein forms P4fs.
Identifiers: ClinVar variation 3236255 (VCV003236255.1), dbSNP rs2067513720, ClinGen allele CA2651919451.